The following is an entry in ClinVar:

NM_020436.5(SALL4):c.433_435del (p.Glu145del)

Gene: SALL4 (spalt like transcription factor 4; minus strand). Cytogenetic location: 20q13.2.
Variant type: Deletion.
Coding change: c.433_435del on transcript NM_020436.5 (MANE Select); coding-DNA positions 433 to 435, 3 bases deleted (GAG; older notation c.433_435delGAG).
Protein change: p.Glu145del; deletes glutamic acid 145.
Genome position (GRCh38, 1-based): chr20:51,792,048-51,792,050, CTC deleted on the plus strand (GAG on the coding strand, the reverse complement: SALL4 is on the minus strand); deleting any 3 consecutive bases within chr20:51,792,048-51,792,052 gives the same sequence; the c. name uses the placement nearest the transcript's 3' end. VCF-style (leftmost placement, unchanged base first): chr20-51792047-TCTC-T. GRCh37 (hg19) VCF-style: chr20-50408586-TCTC-T.
Other names: c.433_435del, p.Glu145del (NM_001318031.2); c.433_435delGAG (NM_020436.5); short protein forms E145del.
Identifiers: ClinVar variation 3587396 (VCV003587396.2).

ClinVar aggregate classification (germline): Uncertain significance. Review status: criteria provided, multiple submitters, no conflicts (2 of 4 stars). 2 submissions from 2 submitters: Uncertain significance (2). Last evaluated 2025-06-12.

Conditions:
Oculootoradial syndrome (IVIC). Also called: RADIAL RAY DEFECTS, HEARING IMPAIRMENT, EXTERNAL OPHTHALMOPLEGIA, AND THROMBOCYTOPENIA; IVIC syndrome. Identifiers: Orphanet 2307, MedGen C1327918, MONDO:0007836, OMIM 147750.
Duane-radial ray syndrome (DRRS). Also called: ACRORENOOCULAR SYNDROME; DR SYNDROME; DUANE ANOMALY WITH RADIAL RAY ABNORMALITIES AND DEAFNESS; Duane-Radial Ray Syndrome (DRRS) / Okihiro Syndrome; Okihiro Syndrome; Duane-Radial Ray Syndrome/Okihiro Syndrome. Identifiers: Orphanet 93293, Orphanet 959, MedGen C1623209, MONDO:0011812, OMIM 607323. Disease mechanism: gain of function.

Submissions (2):

Women's Health and Genetics/Laboratory Corporation of America, LabCorp
Classification: Uncertain significance. Last evaluated: 2025-06-12. Review status: criteria provided, single submitter. Criteria: LabCorp Variant Classification Summary - May 2015. Collection method: clinical testing. Allele origin: germline.
Comment: Variant summary: SALL4 c.433_435delGAG (p.Glu145del) results in an in-frame deletion that is predicted to remove 1 amino acid from the encoded protein. The variant was absent in 251416 control chromosomes. The available data on variant occurrences in the general population are insufficient to allow any conclusion about variant significance. To our knowledge, no occurrence of c.433_435delGAG in individuals affected with SALL4-Related Disorders and no experimental evidence demonstrating its impact on protein function have been reported. ClinVar contains an entry for this variant (Variation ID: 3587396). Based on the evidence outlined above, the variant was classified as uncertain significance.

Fulgent Genetics
Classification: Uncertain significance for Oculootoradial syndrome; Duane-radial ray syndrome. Last evaluated: 2024-04-25. Review status: criteria provided, single submitter. Criteria: ACMG Guidelines, 2015. Collection method: clinical testing. Allele origin: germline.